The following is an entry in ClinVar:

ClinVar aggregate classification (germline): Uncertain significance (1 of 4 stars; one submission).

Conditions:
TRPM3-related disorder. Also called: TRPM3-related condition.

Allele frequency attached by ClinVar (database versions not stated): TOPMed below 0.00001; gnomAD 0.00001.
gnomAD v4.1: 1 of 1,593,992 alleles (0.000063%); highest among the groups gnomAD compares: African/African-American, 0.0013%; no homozygotes.

Submission:

PreventionGenetics, part of Exact Sciences
Classification: Uncertain significance for TRPM3-related condition. Last evaluated: 2025-01-27. Review status: criteria provided, single submitter. Criteria: ACMG Guidelines, 2015. Collection method: clinical testing. Allele origin: germline.
Comment: The TRPM3 c.1060G>A variant is predicted to result in the amino acid substitution p.Gly354Ser. To our knowledge, this variant has not been reported in the literature or in a large population database (gnomAD), indicating this variant is rare. At this time, the clinical significance of this variant is uncertain due to the absence of conclusive functional and genetic evidence.

NM_001366145.2(TRPM3):c.985G>A (p.Gly329Ser)

Gene: TRPM3 (transient receptor potential cation channel subfamily M member 3; minus strand). Cytogenetic location: 9q21.12.
Variant type: single nucleotide variant.
Coding change: c.985G>A on transcript NM_001366145.2 (MANE Select); coding-DNA position 985, G replaced by A.
Protein change: p.Gly329Ser; replaces glycine 329 with serine.
Molecular consequence: missense variant.
Genome position (GRCh38, 1-based): chr9:70,784,268, C>T on the plus strand (G>A on the coding strand, the complement: TRPM3 is on the minus strand). VCF-style: chr9-70784268-C-T. GRCh37 (hg19) VCF-style: chr9-73399184-C-T.
Other names: c.601G>A, p.Gly201Ser (NM_001007470.3, NM_206946.5, NM_206947.5); c.985G>A, p.Gly329Ser (NM_001007471.4, NM_001366146.2, NM_001366149.2 and 3 more transcripts); c.991G>A, p.Gly331Ser (NM_001366141.2, NM_001366142.2, NM_001366143.2 and 1 more transcripts); c.1060G>A, p.Gly354Ser (NM_001366147.2, NM_001366148.2, NM_001366152.2); c.526G>A, p.Gly176Ser (NM_001366154.2, NM_020952.6, NM_024971.7 and 3 more transcripts); short protein forms G176S, G201S, G329S, G331S, G354S.
Identifiers: ClinVar variation 2633143 (VCV002633143.2), dbSNP rs1431050426, ClinGen allele CA373557294.
Genomic context (GRCh38, chr9:70,784,268, plus strand): 5'-CCAAAACAATCGAGATCACATTGGGTCCTCCTTCCACTATGAGTGCCACCACAGGAACAC[C>T]TTGACCGATTCCTGCATTAAAAAAGGAAAAGAAAAGGAAAAAAAGAGAAAAGAACACAAA-3'
Protein context (NP_001353074.1, residues 319-339): LQKINTRIGQ[Gly329Ser]VPVVALIVEG